The following is an entry in ClinVar:

ClinVar aggregate classification (germline): Pathogenic/Likely pathogenic. Review status: criteria provided, multiple submitters, no conflicts (2 of 4 stars). 2 submissions from 2 submitters: Pathogenic (1); Likely pathogenic (1). Last evaluated 2024-06-19.

Conditions:
Deficiency of hyaluronoglucosaminidase (MPS9). Also called: MPS IX; Mucopolysaccharidosis type 9; HYALURONIDASE DEFICIENCY. Identifiers: Orphanet 67041, MedGen C1291490, MONDO:0011093, OMIM 601492.

Submissions (2):

Fulgent Genetics
Classification: Likely pathogenic for Deficiency of hyaluronoglucosaminidase. Last evaluated: 2024-06-19. Review status: criteria provided, single submitter. Criteria: ACMG Guidelines, 2015. Collection method: clinical testing. Allele origin: germline.

Labcorp Genetics (formerly Invitae), Labcorp
Classification: Pathogenic for Deficiency of hyaluronoglucosaminidase. Last evaluated: 2024-01-08. Review status: criteria provided, single submitter. Criteria: Invitae Variant Classification Sherloc (09022015). Collection method: clinical testing. Allele origin: germline.
Comment: This sequence change creates a premature translational stop signal (p.Arg46Cysfs*33) in the HYAL1 gene. It is expected to result in an absent or disrupted protein product. Loss-of-function variants in HYAL1 are known to be pathogenic (PMID: 10339581, 21559944). This variant is present in population databases (rs782271243, gnomAD 0.0009%). This variant has not been reported in the literature in individuals affected with HYAL1-related conditions. ClinVar contains an entry for this variant (Variation ID: 2173294). For these reasons, this variant has been classified as Pathogenic.

Literature cited by the submitters: PubMed 10339581 (cited by Labcorp Genetics (formerly Invitae), Labcorp); PubMed 21559944 (cited by Labcorp Genetics (formerly Invitae), Labcorp).

NM_033159.4(HYAL1):c.110_134dup (p.Arg46fs)

Gene: HYAL1 (hyaluronidase 1; minus strand). Cytogenetic location: 3p21.31.
Variant type: Duplication.
Coding change: c.110_134dup on transcript NM_033159.4 (MANE Select); coding-DNA positions 110 to 134, 25 bases duplicated (ATGCAAACACCCAGTGGTGCCTGGA).
Protein change: p.Arg46fs; shifts the reading frame from arginine 46.
Molecular consequence: frameshift variant. On other transcripts: non-coding transcript variant (1), intron variant (2).
Genome position (GRCh38, 1-based): chr3:50,302,823-50,302,847, TCCAGGCACCACTGGGTGTTTGCAT duplicated on the plus strand (ATGCAAACACCCAGTGGTGCCTGGA on the coding strand, the reverse complement: HYAL1 is on the minus strand); duplicating any 25 consecutive bases within chr3:50,302,823-50,302,852 gives the same sequence; the c. name uses the placement nearest the transcript's 3' end. VCF-style (leftmost placement, unchanged base first): chr3-50302822-C-CTCCAGGCACCACTGGGTGTTTGCAT. GRCh37 (hg19) VCF-style: chr3-50340253-C-CTCCAGGCACCACTGGGTGTTTGCAT.
Other names: c.110_134dup (NM_153281.1); c.105_129dup, p.Arg46Cysfs (NM_007312.3); c.110_134dup, p.Arg46fs (NM_153281.2, NM_153282.3); c.-27+619_-26-618dup (NM_153285.3); c.-213-224_-213-200dup (NM_153283.3); short protein forms R46fs.
Identifiers: ClinVar variation 2173294 (VCV002173294.5), dbSNP rs782271243, ClinGen allele CA2416008.